The following is an entry in ClinVar:

ClinVar aggregate classification (germline): Pathogenic. Review status: criteria provided, multiple submitters, no conflicts (2 of 4 stars). 5 submissions from 5 submitters: Pathogenic (2). 3 of the submissions do not count toward it. Last evaluated 2025-11-11.

Conditions:
Combined pituitary hormone deficiencies, genetic form. Also called: Pituitary hormone deficiency, combined. Identifiers: Orphanet 95494, MedGen C4273747, MONDO:0013099.
Pituitary hormone deficiency, combined, 1 (CPHD1). Also called: Pituitary hormone deficiency, combined or isolated, 1. Identifiers: MedGen C2751608, MONDO:0024464, OMIM 613038.

Allele frequency attached by ClinVar (database versions not stated): gnomAD 0.00003.
gnomAD v4.1: 22 of 1,613,978 alleles (0.0014%); highest among the groups gnomAD compares: Non-Finnish European, 0.0019%; no homozygotes.

Submissions (5):

Women's Health and Genetics/Laboratory Corporation of America, LabCorp
Classification: Pathogenic for Combined pituitary hormone deficiencies, genetic form. Last evaluated: 2025-11-11. Review status: criteria provided, single submitter. Criteria: LabCorp Variant Classification Summary - May 2015. Collection method: clinical testing. Allele origin: germline.
Comment: Variant summary: POU1F1 c.472G>C (p.Ala158Pro) results in a non-conservative amino acid change in the encoded protein sequence. Algorithms developed to predict the effect of missense changes on protein structure and function all suggest that this variant is likely to be disruptive. The variant allele was found at a frequency of 2.4e-05 in 251380 control chromosomes. c.472G>C has been observed in multiple individual(s) from two families affected with autosomal recessive pituitary hormone deficiency (example, Pfaffle_1992). These data indicate that the variant is likely to be associated with disease. At least one publication reports experimental evidence evaluating an impact on protein function. The most pronounced variant effect results in reduced transcriptional activity and binding ability (Pfaffle_1992, Cohen_2005). The following publications have been ascertained in the context of this evaluation (PMID: 16263824, 1509263). ClinVar contains an entry for this variant (Variation ID: 13604). Based on the evidence outlined above, the variant was classified as pathogenic.

Labcorp Genetics (formerly Invitae), Labcorp
Classification: Pathogenic. Last evaluated: 2023-12-02. Review status: criteria provided, single submitter. Criteria: Invitae Variant Classification Sherloc (09022015). Collection method: clinical testing. Allele origin: germline.
Comment: This sequence change replaces alanine, which is neutral and non-polar, with proline, which is neutral and non-polar, at codon 158 of the POU1F1 protein (p.Ala158Pro). This variant is present in population databases (rs104893756, gnomAD 0.006%). This missense change has been observed in individual(s) with autosomal recessive pituitary hormone deficiency (PMID: 1509263). In at least one individual the data is consistent with being in trans (on the opposite chromosome) from a pathogenic variant. It has also been observed to segregate with disease in related individuals. ClinVar contains an entry for this variant (Variation ID: 13604). Advanced modeling of protein sequence and biophysical properties (such as structural, functional, and spatial information, amino acid conservation, physicochemical variation, residue mobility, and thermodynamic stability) performed at Invitae indicates that this missense variant is not expected to disrupt POU1F1 protein function with a negative predictive value of 80%. Experimental studies have shown that this missense change affects POU1F1 function (PMID: 1509263, 16263824). For these reasons, this variant has been classified as Pathogenic.

OMIM
Classification: Pathogenic for PITUITARY HORMONE DEFICIENCY, COMBINED, 1. Last evaluated: 1992-08-21. Review status: no assertion criteria provided. Collection method: literature only. Allele origin: germline. Not counted in ClinVar's aggregate classification.

Diagnostic Laboratory, Department of Genetics, University Medical Center Groningen
Classification: Pathogenic. Review status: no assertion criteria provided. Collection method: clinical testing. Allele origin: germline. Affected: yes. Study: VKGL Data-share Consensus. Not counted in ClinVar's aggregate classification.

Laboratory of Diagnostic Genome Analysis, Leiden University Medical Center (LUMC)
Classification: Pathogenic. Review status: no assertion criteria provided. Collection method: clinical testing. Allele origin: germline. Affected: yes. Study: VKGL Data-share Consensus. Not counted in ClinVar's aggregate classification.

Literature cited by the submitters: PubMed 1509263 (cited by 3 submitters); PubMed 16263824 (cited by Women's Health and Genetics/Laboratory Corporation of America, LabCorp and Labcorp Genetics (formerly Invitae), Labcorp); PubMed 2634610 (cited by OMIM).

NM_000306.4(POU1F1):c.472G>C (p.Ala158Pro)

Gene: POU1F1 (POU class 1 homeobox 1; minus strand). Cytogenetic location: 3p11.2.
Variant type: single nucleotide variant.
Coding change: c.472G>C on transcript NM_000306.4 (MANE Select); coding-DNA position 472, G replaced by C.
Protein change: p.Ala158Pro; replaces alanine 158 with proline.
Molecular consequence: missense variant.
Genome position (GRCh38, 1-based): chr3:87,262,203, C>G on the plus strand (G>C on the coding strand, the complement: POU1F1 is on the minus strand). VCF-style: chr3-87262203-C-G. GRCh37 (hg19) VCF-style: chr3-87311353-C-G.
Other names: c.550G>C, p.Ala184Pro (NM_001122757.3); short protein forms A158P, A184P.
Identifiers: ClinVar variation 13604 (VCV000013604.7), dbSNP rs104893756, ClinGen allele CA250605.